The following is an entry in ClinVar:

ClinVar aggregate classification (germline): Uncertain significance (1 of 4 stars; one submission).

Allele frequency attached by ClinVar (database versions not stated): gnomAD exomes below 0.00001; TOPMed below 0.00001.
gnomAD v4.1: 7 of 1,614,168 alleles (0.00043%); highest among the groups gnomAD compares: East Asian, 0.0045%; no homozygotes.

Submission:

Labcorp Genetics (formerly Invitae), Labcorp
Classification: Uncertain significance. Last evaluated: 2022-10-05. Review status: criteria provided, single submitter. Criteria: Invitae Variant Classification Sherloc (09022015). Collection method: clinical testing. Allele origin: germline.
Comment: In summary, the available evidence is currently insufficient to determine the role of this variant in disease. Therefore, it has been classified as a Variant of Uncertain Significance. This sequence change replaces arginine, which is basic and polar, with cysteine, which is neutral and slightly polar, at codon 177 of the TRAIP protein (p.Arg177Cys). This variant is present in population databases (no rsID available, gnomAD 0.003%). This variant has not been reported in the literature in individuals affected with TRAIP-related conditions. Algorithms developed to predict the effect of missense changes on protein structure and function are either unavailable or do not agree on the potential impact of this missense change (SIFT: "Deleterious"; PolyPhen-2: "Possibly Damaging"; Align-GVGD: "Class C15"). Algorithms developed to predict the effect of sequence changes on RNA splicing suggest that this variant may disrupt the consensus splice site.

NM_005879.3(TRAIP):c.529C>T (p.Arg177Cys)

Gene: TRAIP (TRAF interacting protein; minus strand). Cytogenetic location: 3p21.31.
Variant type: single nucleotide variant.
Coding change: c.529C>T on transcript NM_005879.3 (MANE Select); coding-DNA position 529, C replaced by T.
Protein change: p.Arg177Cys; replaces arginine 177 with cysteine.
Molecular consequence: missense variant.
Genome position (GRCh38, 1-based): chr3:49,841,914, G>A on the plus strand (C>T on the coding strand, the complement: TRAIP is on the minus strand). VCF-style: chr3-49841914-G-A. GRCh37 (hg19) VCF-style: chr3-49879347-G-A.
Other names: short protein forms R177C.
Identifiers: ClinVar variation 2713800 (VCV002713800.3), dbSNP rs1318543714, ClinGen allele CA352835177.
Genomic context (GRCh38, chr3:49,841,914, plus strand): 5'-GCTGTTCCACCGCTGACTGTCCCACACCCATGTCTCGGATCATCTCCTCCACCTCAGGGC[G>A]CTGGCTCTGGAGTAGAAGCTCAATCCTGAAAAATACACCCAGCCCACGGCATTTGCAATC-3'
Protein context (NP_005870.2, residues 167-187): EQIELLLQSQ[Arg177Cys]PEVEEMIRDM